The following is an entry in ClinVar:

ClinVar aggregate classification (germline): Uncertain significance (1 of 4 stars; one submission).

Submission:

GeneDx
Classification: Uncertain significance. Last evaluated: 2017-01-11. Review status: criteria provided, single submitter. Criteria: GeneDx Variant Classification (06012015). Collection method: clinical testing. Allele origin: germline. Affected: yes.
Comment: A variant of uncertain significance has been identified in the SCN1B gene. The D83V variant has not been published as a pathogenic variant, nor has it been reported as a benign variant to our knowledge. The D83V variant is not observed in large population cohorts (Lek et al., 2016; 1000 Genomes Consortium et al., 2015; Exome Variant Server). The D83V variant is a non-conservative amino acid substitution, which is likely to impact secondary protein structure as these residues differ in polarity, charge, size and/or other properties. This substitution occurs at a position that is conserved in mammals and in silico analysis predicts this variant is probably damaging to the protein structure/function. Additionally, missense variants in nearby residues (R85C/H and E87Q) have been reported in Human Gene Mutation Database in association with SCN1B-related disorders (Stenson et al., 2014), supporting the functional importance of this region of the protein. Based on the currently available information, it is unclear whether this variant is a pathogenic variant or a rare benign variant.

NM_001037.5(SCN1B):c.248A>T (p.Asp83Val)

Gene: SCN1B (sodium voltage-gated channel beta subunit 1; plus strand). Cytogenetic location: 19q13.11.
Variant type: single nucleotide variant.
Coding change: c.248A>T on transcript NM_001037.5 (MANE Select); coding-DNA position 248, A replaced by T.
Protein change: p.Asp83Val; replaces aspartic acid 83 with valine.
Molecular consequence: missense variant.
Genome position (GRCh38, 1-based): chr19:35,033,539, A>T. VCF-style: chr19-35033539-A-T. GRCh37 (hg19) VCF-style: chr19-35524443-A-T.
Other names: c.149A>T, p.Asp50Val (NM_001321605.2); c.248A>T, p.Asp83Val (NM_199037.5); short protein forms D83V, D50V.
Identifiers: ClinVar variation 392712 (VCV000392712.2), dbSNP rs1057524601, ClinGen allele CA16608119.